The following is an entry in ClinVar:

NM_003873.7(NRP1):c.431-5C>T

Genes: NRP1 (neuropilin 1; minus strand), LOC126860910 (P300/CBP strongly-dependent group 1 enhancer GRCh37_chr10:33552654-33553853; plus strand). Cytogenetic location: 10p11.22.
Variant type: single nucleotide variant.
Coding change: c.431-5C>T on transcript NM_003873.7 (MANE Select); 5 bases into the intron before coding-DNA position 431, C replaced by T.
Molecular consequence: intron variant.
Genome position (GRCh38, 1-based): chr10:33,263,878, G>A on the plus strand (C>T on the coding strand, the complement: NRP1 is on the minus strand). VCF-style: chr10-33263878-G-A. GRCh37 (hg19) VCF-style: chr10-33552806-G-A.
Other names: c.431-5C>T (NM_001244973.2, NM_001244972.2, NM_001330068.2 and 2 more transcripts).
Identifiers: ClinVar variation 3352128 (VCV003352128.1).
Genomic context (GRCh38, chr10:33,263,878, plus strand): 5'-TCCGGGGGACTTTATCACTCCACTAGGTGTTGTGTAGTTCTGGGAACATTCAGGACCTAT[G>A]AGTAGAAGAGAAAAAGGAGTAAAGTGAAAATCCCACTTAAACAACTTCCCCAAGAAATAA-3'

ClinVar aggregate classification (germline): Likely benign (0 of 4 stars; one submission).

Conditions:
NRP1-related disorder. Also called: NRP1-related condition.

gnomAD v4.1: 3 of 1,565,658 alleles (0.00019%); highest among the groups gnomAD compares: Non-Finnish European, 0.00018%; no homozygotes.

Submission:

PreventionGenetics, part of Exact Sciences
Classification: Likely benign for NRP1-related condition. Last evaluated: 2023-03-20. Review status: no assertion criteria provided. Collection method: clinical testing. Allele origin: germline.
Comment: This variant is classified as likely benign based on ACMG/AMP sequence variant interpretation guidelines (Richards et al. 2015 PMID: 25741868, with internal and published modifications).